The following is an entry in ClinVar:

NM_198253.3(TERT):c.1943A>T (p.Glu648Val)

Gene: TERT (telomerase reverse transcriptase; minus strand). Cytogenetic location: 5p15.33.
Variant type: single nucleotide variant.
Coding change: c.1943A>T on transcript NM_198253.3 (MANE Select); coding-DNA position 1943, A replaced by T.
Protein change: p.Glu648Val; replaces glutamic acid 648 with valine.
Molecular consequence: missense variant. On other transcripts: non-coding transcript variant (2).
Genome position (GRCh38, 1-based): chr5:1,280,165, T>A on the plus strand (A>T on the coding strand, the complement: TERT is on the minus strand). VCF-style: chr5-1280165-T-A. GRCh37 (hg19) VCF-style: chr5-1280280-T-A.
Other names: c.1943A>T, p.Glu648Val (NM_001193376.3); short protein forms E648V.
Identifiers: ClinVar variation 836488 (VCV000836488.10), dbSNP rs1749919380, ClinGen allele CA359080996.
Genomic context (GRCh38, chr5:1,280,165, plus strand): 5'-GGGGCTCAAACGCACTTCTGTTTAAAAAGGAAGTTAAACCAAAGCACAGCCACCCTCTTT[T>A]CTCTGCGGAACGTTCTGGCTCCCACGACGTAGTCCATGTTCACAATCGGCCGCAGCCCGT-3'
Protein context (NP_937983.2, residues 638-658): YVVGARTFRR[Glu648Val]KRAERLTSRV

ClinVar aggregate classification (germline): Uncertain significance (1 of 4 stars; one submission).

Conditions:
Dyskeratosis congenita, autosomal dominant 2. Identifiers: MedGen C3151443, MONDO:0013521, OMIM 613989.
Idiopathic Pulmonary Fibrosis. Also called: Idiopathic fibrosing alveolitis, chronic form; idiopathic fibrosing alveolitis. Identifiers: Orphanet 2032, MedGen C1800706, MeSH D054990, MONDO:0800504.

Submission:

Labcorp Genetics (formerly Invitae), Labcorp
Classification: Uncertain significance for Dyskeratosis congenita, autosomal dominant 2; Idiopathic Pulmonary Fibrosis. Last evaluated: 2019-04-10. Review status: criteria provided, single submitter. Criteria: Invitae Variant Classification Sherloc (09022015). Collection method: clinical testing. Allele origin: germline.
Comment: This sequence change replaces glutamic acid with valine at codon 648 of the TERT protein (p.Glu648Val). The glutamic acid residue is weakly conserved and there is a moderate physicochemical difference between glutamic acid and valine. In summary, the available evidence is currently insufficient to determine the role of this variant in disease. Therefore, it has been classified as a Variant of Uncertain Significance. Algorithms developed to predict the effect of missense changes on protein structure and function (SIFT, PolyPhen-2, Align-GVGD) all suggest that this variant is likely to be tolerated, but these predictions have not been confirmed by published functional studies and their clinical significance is uncertain. This variant has not been reported in the literature in individuals with TERT-related conditions. This variant is not present in population databases (ExAC no frequency).